The following is an entry in ClinVar:

NM_004655.4(AXIN2):c.1293C>G (p.Tyr431Ter)

Gene: AXIN2 (axin 2; minus strand). Cytogenetic location: 17q24.1.
Variant type: single nucleotide variant.
Coding change: c.1293C>G on transcript NM_004655.4 (MANE Select); coding-DNA position 1293, C replaced by G.
Protein change: p.Tyr431Ter; replaces tyrosine 431 with a stop codon.
Molecular consequence: nonsense.
Genome position (GRCh38, 1-based): chr17:65,537,743, G>C on the plus strand (C>G on the coding strand, the complement: AXIN2 is on the minus strand). VCF-style: chr17-65537743-G-C. GRCh37 (hg19) VCF-style: chr17-63533861-G-C.
Other names: c.1293C>G, p.Tyr431Ter (NM_001363813.1); short protein forms Y431*.
Identifiers: ClinVar variation 852961 (VCV000852961.7), dbSNP rs552141978, ClinGen allele CA400677802.

ClinVar aggregate classification (germline): Pathogenic (1 of 4 stars; one submission).

Conditions:
Oligodontia-cancer predisposition syndrome. Also called: TOOTH AGENESIS-COLORECTAL CANCER SYNDROME. Identifiers: Orphanet 300576, MedGen C1837750, MONDO:0012075, OMIM 608615. Disease mechanism: loss of function.

Submission:

Labcorp Genetics (formerly Invitae), Labcorp
Classification: Pathogenic for Oligodontia-cancer predisposition syndrome. Last evaluated: 2024-07-15. Review status: criteria provided, single submitter. Criteria: Invitae Variant Classification Sherloc (09022015). Collection method: clinical testing. Allele origin: germline.
Comment: This sequence change creates a premature translational stop signal (p.Tyr431*) in the AXIN2 gene. It is expected to result in an absent or disrupted protein product. Loss-of-function variants in AXIN2 are known to be pathogenic (PMID: 15042511, 21416598). This variant is not present in population databases (gnomAD no frequency). This variant has not been reported in the literature in individuals affected with AXIN2-related conditions. ClinVar contains an entry for this variant (Variation ID: 852961). For these reasons, this variant has been classified as Pathogenic.

Literature cited by the submitters: PubMed 15042511; PubMed 21416598.